The following is an entry in ClinVar:

NM_001367624.2(ZNF469):c.415A>G (p.Asn139Asp)

Gene: ZNF469 (zinc finger protein 469; plus strand). Cytogenetic location: 16q24.2.
Variant type: single nucleotide variant.
Coding change: c.415A>G on transcript NM_001367624.2 (MANE Select); coding-DNA position 415, A replaced by G.
Protein change: p.Asn139Asp; replaces asparagine 139 with aspartic acid.
Molecular consequence: missense variant.
Genome position (GRCh38, 1-based): chr16:88,427,885, A>G. VCF-style: chr16-88427885-A-G. GRCh37 (hg19) VCF-style: chr16-88494293-A-G.
Other names: NM_001127464.1:c.415A>G; short protein forms N139D.
Identifiers: ClinVar variation 3258284 (VCV003258284.1).

ClinVar aggregate classification (germline): Uncertain significance (1 of 4 stars; one submission).

Conditions:
Cardiovascular phenotype. Identifiers: MedGen CN230736.

Submission:

Ambry Genetics
Classification: Uncertain significance for Cardiovascular phenotype. Last evaluated: 2024-06-12. Review status: criteria provided, single submitter. Criteria: Ambry Variant Classification Scheme 2023. Collection method: clinical testing. Allele origin: germline.
Comment: The p.N139D variant (also known as c.415A>G), located in coding exon 1 of the ZNF469 gene, results from an A to G substitution at nucleotide position 415. The asparagine at codon 139 is replaced by aspartic acid, an amino acid with highly similar properties. This amino acid position is conserved. In addition, this alteration is predicted to be tolerated by in silico analysis. Based on the available evidence, the clinical significance of this variant remains unclear.